The following is an entry in ClinVar:

ClinVar aggregate classification (germline): Uncertain significance (1 of 4 stars; one submission).

Conditions:
Emery-Dreifuss muscular dystrophy 5, autosomal dominant (EDMD5). Also called: EMERY-DREIFUSS MUSCULAR DYSTROPHY 5. Identifiers: Orphanet 261, MedGen C2751805, MONDO:0013072, OMIM 612999.

gnomAD v4.1: 1 of 1,614,204 alleles (0.000062%); highest among the groups gnomAD compares: Non-Finnish European, 0.000085%; no homozygotes.

Submission:

Labcorp Genetics (formerly Invitae), Labcorp
Classification: Uncertain significance for Emery-Dreifuss muscular dystrophy 5, autosomal dominant. Last evaluated: 2025-10-16. Review status: criteria provided, single submitter. Criteria: Invitae Variant Classification Sherloc (09022015). Collection method: clinical testing. Allele origin: germline.
Comment: This sequence change replaces cysteine, which is neutral and slightly polar, with tyrosine, which is neutral and polar, at codon 6762 of the SYNE2 protein (p.Cys6762Tyr). This variant is not present in population databases (gnomAD no frequency). This variant has not been reported in the literature in individuals affected with SYNE2-related conditions. An algorithm developed to predict the effect of missense changes on protein structure and function outputs the following: PolyPhen-2: "Benign". The tyrosine amino acid residue is found in multiple mammalian species, which suggests that this missense change does not adversely affect protein function. In summary, the available evidence is currently insufficient to determine the role of this variant in disease. Therefore, it has been classified as a Variant of Uncertain Significance.

NM_182914.3(SYNE2):c.20285G>A (p.Cys6762Tyr)

Gene: SYNE2 (spectrin repeat containing nuclear envelope protein 2; plus strand). Cytogenetic location: 14q23.2.
Variant type: single nucleotide variant.
Coding change: c.20285G>A on transcript NM_182914.3 (MANE Select); coding-DNA position 20285, G replaced by A.
Protein change: p.Cys6762Tyr; replaces cysteine 6762 with tyrosine.
Molecular consequence: missense variant.
Genome position (GRCh38, 1-based): chr14:64,223,283, G>A. VCF-style: chr14-64223283-G-A. GRCh37 (hg19) VCF-style: chr14-64690001-G-A.
Other names: c.20216G>A, p.Cys6739Tyr (NM_015180.6); c.851G>A, p.Cys284Tyr (NM_182910.2); c.1229G>A, p.Cys410Tyr (NM_182913.4); short protein forms C284Y, C410Y, C6739Y, C6762Y.
Identifiers: ClinVar variation 4738186 (VCV004738186.1).
Genomic context (GRCh38, chr14:64,223,283, plus strand): 5'-AAGTGGACATGTTACAGGAGATTTCAAACAGCCTTCTCATTAAGGGACATGGAGAAGACT[G>A]TATTGAAGCTGAAGAAAAGGTGCATGTTATTGAGAAGAAACTCAAACAGTTACGGGAGCA-3'
Protein context (NP_878918.2, residues 6752-6772): SLLIKGHGED[Cys6762Tyr]IEAEEKVHVI